The following is an entry in ClinVar:

ClinVar aggregate classification (germline): Conflicting classifications of pathogenicity. Review status: criteria provided, conflicting classifications (1 of 4 stars). 2 submissions from 2 submitters: Likely pathogenic (1); Uncertain significance (1). Last evaluated 2022-11-22.

Conditions:
Duchenne muscular dystrophy (DMD). Also called: Duchenne Muscular Dystrophy (DMD); MUSCULAR DYSTROPHY, PSEUDOHYPERTROPHIC PROGRESSIVE, DUCHENNE TYPE. Identifiers: Orphanet 98896, MedGen C0013264, MONDO:0010679, OMIM 310200.

Submissions (2):

Revvity Omics, Revvity
Classification: Uncertain significance. Last evaluated: 2022-11-22. Review status: criteria provided, single submitter. Criteria: ACMG Guidelines, 2015. Collection method: clinical testing. Allele origin: germline.

Labcorp Genetics (formerly Invitae), Labcorp
Classification: Likely pathogenic for Duchenne muscular dystrophy. Last evaluated: 2021-04-10. Review status: criteria provided, single submitter. Criteria: Invitae Variant Classification Sherloc (09022015). Collection method: clinical testing. Allele origin: germline.
Comment: In summary, the currently available evidence indicates that the variant is pathogenic, but additional data are needed to prove that conclusively. Therefore, this variant has been classified as Likely Pathogenic. Nucleotide substitutions within the consensus splice site are a relatively common cause of aberrant splicing (PMID: 17576681, 9536098). Algorithms developed to predict the effect of sequence changes on RNA splicing suggest that this variant may disrupt the consensus splice site, but this prediction has not been confirmed by published transcriptional studies. This variant has been observed in individual(s) with clinical features of DMD-related disease (Invitae). In at least one individual the variant was observed to be de novo. This variant is not present in population databases (ExAC no frequency). This sequence change falls in intron 59 of the DMD gene. It does not directly change the encoded amino acid sequence of the DMD protein. It affects a nucleotide within the consensus splice site of the intron.

Literature cited by the submitters: PubMed 17576681 (cited by Labcorp Genetics (formerly Invitae), Labcorp); PubMed 9536098 (cited by Labcorp Genetics (formerly Invitae), Labcorp).

NM_004006.3(DMD):c.8938-3C>G

Gene: DMD (dystrophin; minus strand). Cytogenetic location: Xp21.2.
Variant type: single nucleotide variant.
Coding change: c.8938-3C>G on transcript NM_004006.3 (MANE Select); 3 bases into the intron before coding-DNA position 8938, C replaced by G.
Molecular consequence: intron variant.
Genome position (GRCh38, 1-based): chrX:31,444,630, G>C on the plus strand (C>G on the coding strand, the complement: DMD is on the minus strand). VCF-style: chrX-31444630-G-C. GRCh37 (hg19) VCF-style: chrX-31462747-G-C.
Other names: c.8914-3C>G (NM_000109.4); c.4915-3C>G (NM_004011.4); c.4906-3C>G (NM_004012.4); c.1558-3C>G (NM_004023.3, NM_004020.4, NM_004022.3 and 2 more transcripts); c.751-3C>G (NM_004014.3); c.8926-3C>G (NM_004009.3); c.8569-3C>G (NM_004010.3).
Identifiers: ClinVar variation 1475922 (VCV001475922.10), dbSNP rs398124079, ClinGen allele CA222527.